The following is an entry in ClinVar:

NM_020800.3(IFT80):c.37C>G (p.His13Asp)

Genes: IFT80 (intraflagellar transport 80; minus strand), TRIM59-IFT80 (TRIM59-IFT80 readthrough (NMD candidate); minus strand). Cytogenetic location: 3q25.33.
Variant type: single nucleotide variant.
Coding change: c.37C>G on transcript NM_020800.3 (MANE Select); coding-DNA position 37, C replaced by G.
Protein change: p.His13Asp; replaces histidine 13 with aspartic acid.
Molecular consequence: missense variant. On other transcripts: non-coding transcript variant (2), 5 prime UTR variant (1).
Genome position (GRCh38, 1-based): chr3:160,384,564, G>C on the plus strand (C>G on the coding strand, the complement: IFT80 is on the minus strand). VCF-style: chr3-160384564-G-C. GRCh37 (hg19) VCF-style: chr3-160102352-G-C.
Other names: c.-595C>G (NM_001190241.2); short protein forms H13D.
Identifiers: ClinVar variation 1934115 (VCV001934115.5), dbSNP rs760859620, ClinGen allele CA355195229.

ClinVar aggregate classification (germline): Uncertain significance (1 of 4 stars; one submission).

Conditions:
Jeune thoracic dystrophy. Also called: Infantile thoracic dystrophy; Thoracic pelvic phalangeal dystrophy; Jeune's syndrome; Chondroectodermal dysplasia-like syndrome; Short-rib thoracic dysplasia; Jeune syndrome. Identifiers: Orphanet 474, MedGen C0265275, MONDO:0018770.

Submission:

Labcorp Genetics (formerly Invitae), Labcorp
Classification: Uncertain significance for Jeune thoracic dystrophy. Last evaluated: 2022-01-14. Review status: criteria provided, single submitter. Criteria: Invitae Variant Classification Sherloc (09022015). Collection method: clinical testing. Allele origin: germline.
Comment: This sequence change replaces histidine, which is basic and polar, with aspartic acid, which is acidic and polar, at codon 13 of the IFT80 protein (p.His13Asp). This variant is not present in population databases (gnomAD no frequency). This variant has not been reported in the literature in individuals affected with IFT80-related conditions. Algorithms developed to predict the effect of missense changes on protein structure and function are either unavailable or do not agree on the potential impact of this missense change (SIFT: "Tolerated"; PolyPhen-2: "Possibly Damaging"; Align-GVGD: "Class C0"). In summary, the available evidence is currently insufficient to determine the role of this variant in disease. Therefore, it has been classified as a Variant of Uncertain Significance.